The following is an entry in ClinVar:

NM_000059.4(BRCA2):c.2895G>T (p.Met965Ile)

Gene: BRCA2 (BRCA2 DNA repair associated; plus strand). Cytogenetic location: 13q13.1.
Variant type: single nucleotide variant.
Coding change: c.2895G>T on transcript NM_000059.4 (MANE Select); coding-DNA position 2895, G replaced by T.
Protein change: p.Met965Ile; replaces methionine 965 with isoleucine.
Molecular consequence: missense variant. On other transcripts: non-coding transcript variant (1), intron variant (2).
Genome position (GRCh38, 1-based): chr13:32,337,250, G>T. VCF-style: chr13-32337250-G-T. GRCh37 (hg19) VCF-style: chr13-32911387-G-T.
Other names: c.2895G>T, p.Met965Ile (NM_001406720.1, NM_001432077.1, NM_001406719.1); c.1909+3863G>T (NM_001406721.1); c.424+6220G>T (NM_001406722.1); short protein forms M965I.
Identifiers: ClinVar variation 4802290 (VCV004802290.1).
Genomic context (GRCh38, chr13:32,337,250, plus strand): 5'-AGATTTGGTTTATGTTCTTGCAGAGGAGAACAAAAATAGTGTAAAGCAGCATATAAAAAT[G>T]ACTCTAGGTCAAGATTTAAAATCGGACATCTCCTTGAATATAGATAAAATACCAGAAAAA-3'
Protein context (NP_000050.3, residues 955-975): NKNSVKQHIK[Met965Ile]TLGQDLKSDI

ClinVar aggregate classification (germline): Uncertain significance (1 of 4 stars; one submission).

Conditions:
Hereditary breast ovarian cancer syndrome. Also called: Hereditary breast and ovarian cancer syndrome (HBOC); Hereditary breast and ovarian cancer; Breast and ovarian cancer; Hereditary breast and/or ovarian cancer syndrome; BRCA1- and BRCA2-Associated Hereditary Breast and Ovarian Cancer; Hereditary breast and ovarian cancer syndrome. Identifiers: Orphanet 145, MedGen C0677776, MeSH D061325, MONDO:0003582. Disease mechanism: loss of function.

Submission:

Labcorp Genetics (formerly Invitae), Labcorp
Classification: Uncertain significance for Hereditary breast ovarian cancer syndrome. Last evaluated: 2026-02-03. Review status: criteria provided, single submitter. Criteria: Invitae Variant Classification Sherloc (09022015). Collection method: clinical testing. Allele origin: germline.
Comment: This sequence change replaces methionine, which is neutral and non-polar, with isoleucine, which is neutral and non-polar, at codon 965 of the BRCA2 protein (p.Met965Ile). This variant is not present in population databases (gnomAD no frequency). This variant has not been reported in the literature in individuals affected with BRCA2-related conditions. Invitae Evidence Modeling of protein sequence and biophysical properties (such as structural, functional, and spatial information, amino acid conservation, physicochemical variation, residue mobility, and thermodynamic stability) indicates that this missense variant is not expected to disrupt BRCA2 protein function with a negative predictive value of 95%. In summary, the available evidence is currently insufficient to determine the role of this variant in disease. Therefore, it has been classified as a Variant of Uncertain Significance.